The following is an entry in ClinVar:

NM_000051.4(ATM):c.8152-3A>G

Genes: ATM (ATM serine/threonine kinase; plus strand), C11orf65 (chromosome 11 open reading frame 65; minus strand). Cytogenetic location: 11q22.3.
Variant type: single nucleotide variant.
Coding change: c.8152-3A>G on transcript NM_000051.4 (MANE Select); 3 bases into the intron before coding-DNA position 8152, A replaced by G.
Molecular consequence: intron variant.
Genome position (GRCh38, 1-based): chr11:108,335,842, A>G. VCF-style: chr11-108335842-A-G. GRCh37 (hg19) VCF-style: chr11-108206569-A-G.
Other names: c.8152-3A>G (NM_001351834.2); c.641-26771T>C (NM_001330368.2); c.695-550T>C (NM_001351110.2).
Identifiers: ClinVar variation 2568154 (VCV002568154.2), dbSNP rs2136690972, ClinGen allele CA2580615065.

ClinVar aggregate classification (germline): Uncertain significance (1 of 4 stars; one submission).

Conditions:
Hereditary cancer-predisposing syndrome. Also called: Hereditary Cancer Syndrome; Hereditary neoplastic syndrome; Neoplastic Syndromes, Hereditary; Tumor predisposition. Identifiers: Orphanet 140162, MedGen C0027672, MeSH D009386, MONDO:0015356.

Submission:

Ambry Genetics
Classification: Uncertain significance for Hereditary cancer-predisposing syndrome. Last evaluated: 2023-03-29. Review status: criteria provided, single submitter. Criteria: Ambry Variant Classification Scheme 2023. Collection method: clinical testing. Allele origin: germline.
Comment: The c.8152-3A>G intronic variant results from an A to G substitution 3 nucleotides upstream from coding exon 55 in the ATM gene. This nucleotide position is well conserved in available vertebrate species. In silico splice site analysis predicts that this alteration may result in the creation or strengthening of a novel splice acceptor site. RNA studies have demonstrated that this alteration does not result in abnormal splicing in the set of samples tested (Ambry internal data). Since supporting evidence is limited at this time, the clinical significance of this alteration remains unclear.